The following is an entry in ClinVar:

ClinVar aggregate classification (germline): Uncertain significance (1 of 4 stars; one submission).

Submission:

GeneDx
Classification: Uncertain significance. Last evaluated: 2020-05-07. Review status: criteria provided, single submitter. Criteria: GeneDx Variant Classification Process June 2021. Collection method: clinical testing. Allele origin: germline. Affected: yes.
Comment: Not observed in large population cohorts (Lek et al., 2016); In silico analysis supports that this missense variant does not alter protein structure/function; Has not been previously published as pathogenic or benign to our knowledge

NM_005765.3(ATP6AP2):c.835A>G (p.Thr279Ala)

Gene: ATP6AP2 (ATPase H+ transporting accessory protein 2; plus strand). Cytogenetic location: Xp11.4.
Variant type: single nucleotide variant.
Coding change: c.835A>G on transcript NM_005765.3 (MANE Select); coding-DNA position 835, A replaced by G.
Protein change: p.Thr279Ala; replaces threonine 279 with alanine.
Molecular consequence: missense variant.
Genome position (GRCh38, 1-based): chrX:40,600,858, A>G. VCF-style: chrX-40600858-A-G. GRCh37 (hg19) VCF-style: chrX-40460110-A-G.
Other names: short protein forms T279A.
Identifiers: ClinVar variation 1219557 (VCV001219557.3), dbSNP rs1926886551, ClinGen allele CA412757821.